The following is an entry in ClinVar:

ClinVar aggregate classification (germline): Benign/Likely benign. Review status: criteria provided, multiple submitters, no conflicts (2 of 4 stars). 5 submissions from 5 submitters: Benign (2); Likely benign (3). Last evaluated 2026-08-10.

Conditions:
SLC16A2-related disorder. Also called: SLC16A2-related condition.
Spastic paraplegia. Identifiers: MedGen C0037772, HP:0001258.
Inborn genetic diseases. Identifiers: MedGen C0950123, MeSH D030342.

Allele frequency attached by ClinVar (database versions not stated): TOPMed 0.00014; 1000 Genomes Project 30x 0.00021; 1000 Genomes Project 0.00026.
gnomAD v4.1: 48 of 1,209,395 alleles (0.004%); highest among the groups gnomAD compares: Admixed American, 0.1%; no homozygotes.

Submissions (5):

PreventionGenetics, part of Exact Sciences
Classification: Likely benign for SLC16A2-related condition. Last evaluated: 2026-08-10. Review status: criteria provided, single submitter. Criteria: ACMG Guidelines, 2015. Collection method: clinical testing. Allele origin: germline.
Comment: This variant is classified as likely benign based on ACMG/AMP sequence variant interpretation guidelines (Richards et al. 2015 PMID: 25741868, with internal and published modifications).

CeGaT Center for Human Genetics Tuebingen
Classification: Likely benign. Last evaluated: 2026-07-01. Review status: criteria provided, single submitter. Criteria: CeGaT Center For Human Genetics Tuebingen Variant Classification Criteria Version 2. Collection method: clinical testing. Allele origin: germline. Affected: yes. Observed: 1 variant allele.
Comment: SLC16A2: BP4, BS2

Labcorp Genetics (formerly Invitae), Labcorp
Classification: Benign for Spastic paraplegia. Last evaluated: 2025-12-08. Review status: criteria provided, single submitter. Criteria: Invitae Variant Classification Sherloc (09022015). Collection method: clinical testing. Allele origin: germline.

Ambry Genetics
Classification: Likely benign for Inborn genetic diseases. Last evaluated: 2025-10-30. Review status: criteria provided, single submitter. Criteria: Ambry Variant Classification Scheme 2023. Collection method: clinical testing. Allele origin: germline.

GeneDx
Classification: Benign. Last evaluated: 2019-09-06. Review status: criteria provided, single submitter. Criteria: GeneDx Variant Classification Process June 2021. Collection method: clinical testing. Allele origin: germline. Affected: yes.

NM_006517.5(SLC16A2):c.265G>A (p.Ala89Thr)

Gene: SLC16A2 (solute carrier family 16 member 2; plus strand). Cytogenetic location: Xq13.2.
Variant type: single nucleotide variant.
Coding change: c.265G>A on transcript NM_006517.5 (MANE Select); coding-DNA position 265, G replaced by A.
Protein change: p.Ala89Thr; replaces alanine 89 with threonine.
Molecular consequence: missense variant.
Genome position (GRCh38, 1-based): chrX:74,421,902, G>A. VCF-style: chrX-74421902-G-A. GRCh37 (hg19) VCF-style: chrX-73641737-G-A.
Other names: short protein forms A89T.
Identifiers: ClinVar variation 589223 (VCV000589223.19), dbSNP rs201661705, ClinGen allele CA10454393.